The following is an entry in ClinVar:

ClinVar aggregate classification (germline): Uncertain significance. Review status: criteria provided, multiple submitters, no conflicts (2 of 4 stars). 2 submissions from 2 submitters: Uncertain significance (2). Last evaluated 2022-11-01.

Conditions:
Inborn genetic diseases. Identifiers: MedGen C0950123, MeSH D030342.

Allele frequency attached by ClinVar (database versions not stated): gnomAD 0.00002; TOPMed 0.00002.
gnomAD v4.1: 26 of 1,613,968 alleles (0.0016%); highest among the groups gnomAD compares: Admixed American, 0.038%; no homozygotes.

Submissions (2):

Labcorp Genetics (formerly Invitae), Labcorp
Classification: Uncertain significance. Last evaluated: 2022-11-01. Review status: criteria provided, single submitter. Criteria: Invitae Variant Classification Sherloc (09022015). Collection method: clinical testing. Allele origin: germline.
Comment: This sequence change replaces valine, which is neutral and non-polar, with isoleucine, which is neutral and non-polar, at codon 332 of the SLC30A10 protein (p.Val332Ile). This variant is present in population databases (rs759514230, gnomAD 0.04%). This variant has not been reported in the literature in individuals affected with SLC30A10-related conditions. ClinVar contains an entry for this variant (Variation ID: 1435975). Advanced modeling of protein sequence and biophysical properties (such as structural, functional, and spatial information, amino acid conservation, physicochemical variation, residue mobility, and thermodynamic stability) performed at Invitae indicates that this missense variant is not expected to disrupt SLC30A10 protein function. In summary, the available evidence is currently insufficient to determine the role of this variant in disease. Therefore, it has been classified as a Variant of Uncertain Significance.

Ambry Genetics
Classification: Uncertain significance for Inborn genetic diseases. Last evaluated: 2021-10-26. Review status: criteria provided, single submitter. Criteria: Ambry Variant Classification Scheme 2023. Collection method: clinical testing. Allele origin: germline.

NM_018713.3(SLC30A10):c.994G>A (p.Val332Ile)

Gene: SLC30A10 (solute carrier family 30 member 10; minus strand). Cytogenetic location: 1q41.
Variant type: single nucleotide variant.
Coding change: c.994G>A on transcript NM_018713.3 (MANE Select); coding-DNA position 994, G replaced by A.
Protein change: p.Val332Ile; replaces valine 332 with isoleucine.
Molecular consequence: missense variant. On other transcripts: non-coding transcript variant (2).
Genome position (GRCh38, 1-based): chr1:219,915,913, C>T on the plus strand (G>A on the coding strand, the complement: SLC30A10 is on the minus strand). VCF-style: chr1-219915913-C-T. GRCh37 (hg19) VCF-style: chr1-220089255-C-T.
Other names: c.805G>A, p.Val269Ile (NM_001376929.1); c.994G>A (NM_018713.2); short protein forms V269I, V332I.
Identifiers: ClinVar variation 1435975 (VCV001435975.6), dbSNP rs759514230, ClinGen allele CA1399185.